The following is an entry in ClinVar:

ClinVar aggregate classification (germline): Uncertain significance. Review status: criteria provided, multiple submitters, no conflicts (2 of 4 stars). 5 submissions from 5 submitters: Uncertain significance (4). 1 of the submissions does not count toward it. Last evaluated 2023-04-14.

Conditions:
Niemann-Pick disease, type C1. Also called: NEUROVISCERAL STORAGE DISEASE WITH VERTICAL SUPRANUCLEAR OPHTHALMOPLEGIA; NIEMANN-PICK DISEASE WITH CHOLESTEROL ESTERIFICATION BLOCK; NIEMANN-PICK DISEASE WITHOUT SPHINGOMYELINASE DEFICIENCY; NIEMANN-PICK DISEASE, CHRONIC NEURONOPATHIC FORM; NIEMANN-PICK DISEASE, VARIANT TYPE C1. Identifiers: Orphanet 646, MedGen C3179455, MONDO:0009757, OMIM 257220.

Allele frequency attached by ClinVar (database versions not stated): ExAC 0.00004; gnomAD exomes 0.00004 and 0.00011; TOPMed 0.00005; gnomAD 0.00007; ESP Exome Variant Server 0.00008.
gnomAD v4.1: 175 of 1,614,040 alleles (0.011%); highest among the groups gnomAD compares: Non-Finnish European, 0.014%; no homozygotes.

Submissions (5):

GeneDx
Classification: Uncertain significance. Last evaluated: 2023-04-14. Review status: criteria provided, single submitter. Criteria: GeneDx Variant Classification Process June 2021. Collection method: clinical testing. Allele origin: germline. Affected: yes.
Comment: In silico analysis supports that this missense variant does not alter protein structure/function; Not observed at significant frequency in large population cohorts (gnomAD); In silico analysis supports a deleterious effect on splicing; This variant is associated with the following publications: (PMID: 33990640, 25764212)

Labcorp Genetics (formerly Invitae), Labcorp
Classification: Uncertain significance for Niemann-Pick disease, type C1. Last evaluated: 2022-06-05. Review status: criteria provided, single submitter. Criteria: Invitae Variant Classification Sherloc (09022015). Collection method: clinical testing. Allele origin: germline.
Comment: This sequence change replaces isoleucine, which is neutral and non-polar, with valine, which is neutral and non-polar, at codon 1223 of the NPC1 protein (p.Ile1223Val). The frequency data for this variant in the population databases is considered unreliable, as metrics indicate poor data quality at this position in the gnomAD database. This variant has not been reported in the literature in individuals affected with NPC1-related conditions. ClinVar contains an entry for this variant (Variation ID: 889411). Advanced modeling of protein sequence and biophysical properties (such as structural, functional, and spatial information, amino acid conservation, physicochemical variation, residue mobility, and thermodynamic stability) performed at Invitae indicates that this missense variant is not expected to disrupt NPC1 protein function. Algorithms developed to predict the effect of sequence changes on RNA splicing suggest that this variant may create or strengthen a splice site. In summary, the available evidence is currently insufficient to determine the role of this variant in disease. Therefore, it has been classified as a Variant of Uncertain Significance.

Fulgent Genetics
Classification: Uncertain significance for Niemann-Pick disease, type C1. Last evaluated: 2022-04-07. Review status: criteria provided, single submitter. Criteria: ACMG Guidelines, 2015. Collection method: clinical testing. Allele origin: unknown.

Illumina Laboratory Services, Illumina
Classification: Uncertain significance for Niemann-Pick disease type C1. Last evaluated: 2018-01-13. Review status: criteria provided, single submitter. Criteria: ICSL Variant Classification Criteria 13 December 2019. Collection method: clinical testing. Allele origin: germline.

Natera, Inc.
Classification: Uncertain significance for Niemann-Pick disease type C1. Last evaluated: 2020-01-17. Review status: no assertion criteria provided. Collection method: clinical testing. Allele origin: germline. Not counted in ClinVar's aggregate classification.

NM_000271.5(NPC1):c.3667A>G (p.Ile1223Val)

Gene: NPC1 (NPC intracellular cholesterol transporter 1; minus strand). Cytogenetic location: 18q11.2.
Variant type: single nucleotide variant.
Coding change: c.3667A>G on transcript NM_000271.5 (MANE Select); coding-DNA position 3667, A replaced by G.
Protein change: p.Ile1223Val; replaces isoleucine 1223 with valine.
Molecular consequence: missense variant.
Genome position (GRCh38, 1-based): chr18:23,533,442, T>C on the plus strand (A>G on the coding strand, the complement: NPC1 is on the minus strand). VCF-style: chr18-23533442-T-C. GRCh37 (hg19) VCF-style: chr18-21113406-T-C.
Other names: short protein forms I1223V.
Identifiers: ClinVar variation 889411 (VCV000889411.12), dbSNP rs368658600, ClinGen allele CA8912685.
Genomic context (GRCh38, chr18:23,533,442, plus strand): 5'-ATATTAATCCGTGAGTGGCTCCCAGTAAGACCATGGCCAAATACATCCTGAAGTAGAATA[T>C]CTGGAAAATTTGAGATTTGGCAAAAGCCAACACCACAATCCCTCCAAATTTTGTAAGTGT-3'
Protein context (NP_000262.2, residues 1213-1233): LAFAKSQIFQ[Ile1223Val]FYFRMYLAMV